The following is an entry in ClinVar:

NM_024408.4(NOTCH2):c.6469C>A (p.Pro2157Thr)

Gene: NOTCH2 (notch receptor 2; minus strand). Cytogenetic location: 1p12.
Variant type: single nucleotide variant.
Coding change: c.6469C>A on transcript NM_024408.4 (MANE Select); coding-DNA position 6469, C replaced by A.
Protein change: p.Pro2157Thr; replaces proline 2157 with threonine.
Molecular consequence: missense variant.
Genome position (GRCh38, 1-based): chr1:119,916,253, G>T on the plus strand (C>A on the coding strand, the complement: NOTCH2 is on the minus strand). VCF-style: chr1-119916253-G-T. GRCh37 (hg19) VCF-style: chr1-120458876-G-T.
Other names: short protein forms P2157T.
Identifiers: ClinVar variation 1049173 (VCV001049173.2), dbSNP rs587640708, ClinGen allele CA1039426.

ClinVar aggregate classification (germline): Uncertain significance. Review status: criteria provided, single submitter (1 of 4 stars). 2 submissions from 2 submitters: Uncertain significance (1). 1 of the submissions does not count toward it. Last evaluated 2026-01-26.

Conditions:
Hajdu-Cheney syndrome (HJCYS). Also called: Acroosteolysis dominant type; SERPENTINE FIBULA-POLYCYSTIC KIDNEY SYNDROME; ACROOSTEOLYSIS WITH OSTEOPOROSIS AND CHANGES IN SKULL AND MANDIBLE. Identifiers: Orphanet 955, MedGen C0917715, MONDO:0007057, OMIM 102500.

Allele frequency attached by ClinVar (database versions not stated): gnomAD 0.00001 and 0.00002; gnomAD exomes 0.00001 and 0.00005; TOPMed 0.00003; ExAC 0.00004; 1000 Genomes Project 0.00020; 1000 Genomes Project 30x 0.00031.
gnomAD v4.1: 22 of 1,614,194 alleles (0.0014%); highest among the groups gnomAD compares: East Asian, 0.038%; no homozygotes.

Submissions (2):

Labcorp Genetics (formerly Invitae), Labcorp
Classification: Uncertain significance for Hajdu-Cheney syndrome. Last evaluated: 2026-01-26. Review status: criteria provided, single submitter. Criteria: Invitae Variant Classification Sherloc (09022015). Collection method: clinical testing. Allele origin: germline.
Comment: This sequence change replaces proline, which is neutral and non-polar, with threonine, which is neutral and polar, at codon 2157 of the NOTCH2 protein (p.Pro2157Thr). This variant is present in population databases (rs587640708, gnomAD 0.06%). This variant has not been reported in the literature in individuals affected with NOTCH2-related conditions. ClinVar contains an entry for this variant (Variation ID: 1049173). Invitae Evidence Modeling of protein sequence and biophysical properties (such as structural, functional, and spatial information, amino acid conservation, physicochemical variation, residue mobility, and thermodynamic stability) indicates that this missense variant is not expected to disrupt NOTCH2 protein function with a negative predictive value of 80%. In summary, the available evidence is currently insufficient to determine the role of this variant in disease. Therefore, it has been classified as a Variant of Uncertain Significance.

Department of Pathology and Laboratory Medicine, Sinai Health System
Classification: Benign. Review status: no assertion criteria provided. Collection method: clinical testing. Allele origin: unknown. Affected: yes. Study: The Canadian Open Genetics Repository (COGR). Not counted in ClinVar's aggregate classification.
Comment: The NOTCH2 p.P2157T variant was not identified in the literature nor was it identified in ClinVar. The variant was identified in dbSNP (ID: rs587640708) and in control databases in 13 of 251456 chromosomes at a frequency of 0.00005170, and was observed at the highest frequency in the East Asian population in 12 of 18392 chromosomes (freq: 0.0006525) (Genome Aggregation Database March 6, 2019, v2.1.1). This frequency is greater than expected for the rare, autosomal dominant Hajdu-Cheney syndrome and Alagille syndrome 2 associated with NOTCH2 variants. The p.P2157 residue is conserved in mammals and computational analyses (MUT Assesor, PolyPhen-2, SIFT, MutationTaster, Revel, FATHMM, MetaLR, DANN) suggest that the variant may impact the protein; however this information is not predictive enough to assume pathogenicity. The variant occurs outside of the splicing consensus sequence and in silico or computational prediction software programs (Splice AI exome) do not predict a difference in splicing. In summary, based on the above information the clinical significance of this variant cannot be determined with certainty at this time although we would lean towards a more benign role for this variant. This variant is classified as likely benign.